The following is an entry in ClinVar:

ClinVar aggregate classification (germline): Pathogenic/Likely pathogenic. Review status: criteria provided, multiple submitters, no conflicts (2 of 4 stars). 7 submissions from 7 submitters: Pathogenic (3); Likely pathogenic (3). 1 of the submissions does not count toward it. Last evaluated 2025-12-21.

Conditions:
Hereditary cancer-predisposing syndrome. Also called: Tumor predisposition; Neoplastic Syndromes, Hereditary; Hereditary Cancer Syndrome; Hereditary neoplastic syndrome. Identifiers: Orphanet 140162, MedGen C0027672, MeSH D009386, MONDO:0015356.
Familial cancer of breast. Also called: BREAST CANCER, FAMILIAL; Hereditary breast cancer; hereditary breast carcinoma. Identifiers: Orphanet 227535, MedGen C0346153, MONDO:0016419, OMIM 114480. Disease mechanism: loss of function.
Ataxia-telangiectasia syndrome (AT). Also called: Cerebello-oculocutaneous telangiectasia; Immunodeficiency with ataxia telangiectasia; ATAXIA-TELANGIECTASIA, COMPLEMENTATION GROUP A; Ataxia-telangiectasia, complementation group D; AT, COMPLEMENTATION GROUP C; ATAXIA-TELANGIECTASIA, FRESNO VARIANT. Identifiers: Orphanet 100, MedGen C0004135, MONDO:0008840, OMIM 208900.

Allele frequency attached by ClinVar (database versions not stated): ExAC 0.00001.

Submissions (7):

Labcorp Genetics (formerly Invitae), Labcorp
Classification: Pathogenic for Ataxia-telangiectasia syndrome. Last evaluated: 2025-12-21. Review status: criteria provided, single submitter. Criteria: Invitae Variant Classification Sherloc (09022015). Collection method: clinical testing. Allele origin: germline.
Comment: This sequence change affects a donor splice site in intron 31 of the ATM gene. RNA analysis indicates that disruption of this splice site induces altered splicing and likely results in a shortened protein product. This variant is present in population databases (rs771117943, gnomAD 0.005%). Disruption of this splice site has been observed in individuals with ataxia-telangiectasia (PMID: 9497252, 12815592, 20840352, 31050087). ClinVar contains an entry for this variant (Variation ID: 478920). Algorithms developed to predict the effect of variants on gene product structure and function are not available or were not evaluated for this variant. Experimental studies have shown that disruption of this splice site affects ATM function (PMID: 2491181, 9497252). Studies have shown that disruption of this splice site results in skipping of 31, but is expected to preserve the integrity of the reading-frame (PMID: 31050087). For these reasons, this variant has been classified as Pathogenic.

Myriad Genetics, Inc.
Classification: Likely pathogenic for Familial cancer of breast. Last evaluated: 2024-01-24. Review status: criteria provided, single submitter. Criteria: Myriad Autosomal Dominant, Autosomal Recessive and X-Linked Classification Criteria (2023). Collection method: clinical testing. Allele origin: unknown.
Comment: This variant is considered likely pathogenic. This variant occurs within a consensus splice junction and is predicted to result in abnormal mRNA splicing of either an out-of-frame exon or an in-frame exon necessary for protein stability and/or normal function.

Color Diagnostics, LLC DBA Color Health
Classification: Likely pathogenic for Hereditary cancer-predisposing syndrome. Last evaluated: 2023-08-09. Review status: criteria provided, single submitter. Criteria: ACMG Guidelines, 2015. Collection method: clinical testing. Allele origin: germline.
Comment: This variant causes a G to T nucleotide substitution at the +1 position of intron 31 of the ATM gene. Splice site prediction tools predict that this variant may have a significant impact on RNA splicing and is expected to result in a disrupted protein product. This variant has been reported in unknown phase with a pathogenic ATM variant, c.748C>T (p.Arg250Ter), in an individual affected with classic ataxia-telangiectasia (PMID: 20840352, 22763152). This variant has also been reported in the compound heterozygous state in an individual affected with atypical ataxia-telangiectasia (PMID: 31050087). Lymphoblastoid cell lines derived from this individual showed in-frame skipping of exon 31 (PMID: 31050087). This variant was reported in an individual affected with ovarian cancer (PMID: 34371384). This variant has been identified in 1/244648 chromosomes in the general population by the Genome Aggregation Database (gnomAD). Loss of ATM function is a known mechanism of disease. Based on the available evidence, this variant is classified as Likely Pathogenic.

Ambry Genetics
Classification: Pathogenic for Hereditary cancer-predisposing syndrome. Last evaluated: 2023-03-29. Review status: criteria provided, single submitter. Criteria: Ambry Variant Classification Scheme 2023. Collection method: clinical testing. Allele origin: germline.
Comment: The c.4776+1G>T intronic pathogenic mutation results from a G to T substitution one nucleotide after coding exon 30 of the ATM gene. This nucleotide position is highly conserved in available vertebrate species. In another study, this alteration was identified with a missense ATM alteration in an individual with atypical A-T and was reported to cause skipping of coding exon 30 (Fi&eacute;vet A et al. Hum. Mutat., 2019 10;40:1713-1730). In silico splice site analysis predicts that this alteration will weaken the native splice donor site. RNA studies have demonstrated that this alteration results in abnormal splicing in the set of samples tested (Ambry internal data). Based on the supporting evidence, this alteration is interpreted as a disease-causing mutation.

Baylor Genetics
Classification: Pathogenic for Familial cancer of breast. Last evaluated: 2022-05-26. Review status: criteria provided, single submitter. Criteria: ACMG Guidelines, 2015. Collection method: clinical testing. Allele origin: unknown.

GeneDx
Classification: Likely pathogenic. Last evaluated: 2020-07-06. Review status: criteria provided, single submitter. Criteria: GeneDx Variant Classification Process June 2021. Collection method: clinical testing. Allele origin: germline. Affected: yes.
Comment: Canonical splice site variant demonstrated to result in an in-frame deletion of exon 31 (Fivet 2019); Observed in an individual with familial breast cancer; however, the variant was not found in an affected sister (Bubien 2017); Observed with other ATM variants in unrelated patients with ataxia-telangiectasia, but it was not reported whether the variants occurred on the same (in cis) or on different (in trans) chromosomes (Broccoletti 2011, Fivet 2019); Not observed in large population cohorts (Lek et al., 2016); This variant is associated with the following publications: (PMID: 31050087, 22763152, 28691344, 20840352)

Counsyl
Classification: Likely pathogenic for Ataxia-telangiectasia syndrome. Last evaluated: 2017-09-12. Review status: no assertion criteria provided. Collection method: clinical testing. Allele origin: unknown. Not counted in ClinVar's aggregate classification.

Literature cited by the submitters: PubMed 9497252 (cited by Labcorp Genetics (formerly Invitae), Labcorp); PubMed 12815592 (cited by Labcorp Genetics (formerly Invitae), Labcorp); PubMed 20840352 (cited by 3 submitters); PubMed 31050087 (cited by 3 submitters); PubMed 2491181 (cited by Labcorp Genetics (formerly Invitae), Labcorp); PubMed 22763152 (cited by Color Diagnostics, LLC DBA Color Health); PubMed 34371384 (cited by Color Diagnostics, LLC DBA Color Health).

NM_000051.4(ATM):c.4776+1G>T

Gene: ATM (ATM serine/threonine kinase; plus strand). Cytogenetic location: 11q22.3.
Variant type: single nucleotide variant.
Coding change: c.4776+1G>T on transcript NM_000051.4 (MANE Select); the canonical splice donor site of the intron after coding-DNA position 4776, G replaced by T.
Molecular consequence: splice donor variant.
Genome position (GRCh38, 1-based): chr11:108,293,478, G>T. VCF-style: chr11-108293478-G-T. GRCh37 (hg19) VCF-style: chr11-108164205-G-T.
Other names: c.4776+1G>T (NM_001351834.2).
Identifiers: ClinVar variation 478920 (VCV000478920.20), dbSNP rs771117943, ClinGen allele CA6265538.
Genomic context (GRCh38, chr11:108,293,478, plus strand): 5'-GATTTGCGTATTACTCAGCAAAAAATCAAATACAGTAGAGGACCCTTTTCACTCTTGGAG[G>T]TAATAAAAATTTCATCATCTACTATTTTTTATTAGAGAACATAGTAGTACTTTTCAAAAA-3'